The following is an entry in ClinVar:

NM_000238.4(KCNH2):c.1766T>C (p.Leu589Pro)

Gene: KCNH2 (potassium voltage-gated channel subfamily H member 2; minus strand). Cytogenetic location: 7q36.1.
Variant type: single nucleotide variant.
Coding change: c.1766T>C on transcript NM_000238.4 (MANE Select); coding-DNA position 1766, T replaced by C.
Protein change: p.Leu589Pro; replaces leucine 589 with proline.
Molecular consequence: missense variant. On other transcripts: non-coding transcript variant (2).
Genome position (GRCh38, 1-based): chr7:150,951,627, A>G on the plus strand (T>C on the coding strand, the complement: KCNH2 is on the minus strand). VCF-style: chr7-150951627-A-G. GRCh37 (hg19) VCF-style: chr7-150648715-A-G.
Other names: c.746T>C, p.Leu249Pro (NM_001204798.2, NM_172057.3); c.1478T>C, p.Leu493Pro (NM_001406753.1, NM_001406756.1); c.1589T>C, p.Leu530Pro (NM_001406755.1); c.1466T>C, p.Leu489Pro (NM_001406757.1); c.1766T>C, p.Leu589Pro (NM_172056.3); short protein forms L249P, L489P, L493P, L530P, L589P.
Identifiers: ClinVar variation 3900638 (VCV003900638.1).

ClinVar aggregate classification (germline): Likely pathogenic (1 of 4 stars; one submission).

Conditions:
Long QT syndrome 2 (LQT2). Identifiers: Orphanet 101016, Orphanet 768, MedGen C3150943, MONDO:0013367, OMIM 613688.

Submission:

Prenatal Diagnosis Center, Shandong Provincal Hospital
Classification: Likely pathogenic for Long QT syndrome 2. Last evaluated: 2024-09-06. Review status: criteria provided, single submitter. Criteria: ACMG Guidelines, 2015. Collection method: clinical testing. Allele origin: de novo. Inheritance: Autosomal dominant inheritance. Affected: yes. Observed: 1 heterozygote.
Comment: Variant c.1766T>C (exon 7, NM_000238.4) causes an amino acid change to p.Leu589Pro, which is a missense mutation. The frequency of this variant in normal population databases is absent (PM2_Supporting). Benign missense variants are rare in this gene, and missense mutations are a common mechanism of disease (PP2). By protein function predictions, i.e. REVEL, denoting this variant to be deleterious (PP3_Strong). According to ACMG guidelines, this variant is classified as Likely Pathogenic, supported by the following evidence: PS2_Moderate + PM2_Supporting + PP2 + PP3_Strong

Literature cited by the submitters: PubMed 20301308.